The following is an entry in ClinVar:

ClinVar aggregate classification (germline): Uncertain significance. Review status: criteria provided, single submitter (1 of 4 stars). 2 submissions from 2 submitters: Uncertain significance (1). 1 of the submissions does not count toward it. Last evaluated 2025-03-01.

Conditions:
Colonic neoplasm. Also called: Colonic Neoplasms; Neoplasm of the colon. Identifiers: MedGen C0009375, MeSH D003110, MONDO:0005401, HP:0100273.

Allele frequency attached by ClinVar (database versions not stated): TOPMed 0.00001; gnomAD exomes 0.00002 and 0.00003; ExAC 0.00007.
gnomAD v4.1: 24 of 1,611,610 alleles (0.0015%); highest among the groups gnomAD compares: Non-Finnish European, 0.0018%; no homozygotes.

Submissions (2):

Dasa
Classification: Uncertain significance. Last evaluated: 2025-03-01. Review status: criteria provided, single submitter. Criteria: DASA Assertion Criteria. Collection method: clinical testing. Allele origin: germline.
Comment: NM_002354.3(EPCAM):c.903+1G>A affects a canonical splice site and is predicted to disrupt normal RNA splicing. This variant is rare in population databases. The currently available literature and clinical evidence are not sufficient to establish a definitive association between this variant and the reported condition. Therefore, this variant is classified as a variant of uncertain significance.

Medical Genetics Laboratory, Umraniye Training and Research Hospital, University of Health Sciences
Classification: Pathogenic for Colonic neoplasm. Last evaluated: 2021-09-12. Review status: no assertion criteria provided. Collection method: clinical testing. Allele origin: germline. Inheritance: Autosomal dominant inheritance. Affected: yes. Observed: 1 heterozygote. Not counted in ClinVar's aggregate classification.

NM_002354.3(EPCAM):c.903+1G>A

Gene: EPCAM (epithelial cell adhesion molecule; plus strand). Cytogenetic location: 2p21.
Variant type: single nucleotide variant.
Coding change: c.903+1G>A on transcript NM_002354.3 (MANE Select); the canonical splice donor site of the intron after coding-DNA position 903, G replaced by A.
Molecular consequence: splice donor variant.
Genome position (GRCh38, 1-based): chr2:47,385,211, G>A. VCF-style: chr2-47385211-G-A. GRCh37 (hg19) VCF-style: chr2-47612350-G-A.
Identifiers: ClinVar variation 1244227 (VCV001244227.4), dbSNP rs751264236, ClinGen allele CA1649200.